The following is an entry in ClinVar:

NM_004517.4(ILK):c.944T>C (p.Ile315Thr)

Genes: TAF10 (TATA-box binding protein associated factor 10; minus strand), ILK (integrin linked kinase; plus strand). Cytogenetic location: 11p15.4.
Variant type: single nucleotide variant.
Coding change: c.944T>C on transcript NM_004517.4 (MANE Select); coding-DNA position 944, T replaced by C.
Protein change: p.Ile315Thr; replaces isoleucine 315 with threonine.
Molecular consequence: missense variant. On other transcripts: 3 prime UTR variant (1).
Genome position (GRCh38, 1-based): chr11:6,609,811, T>C. VCF-style: chr11-6609811-T-C. GRCh37 (hg19) VCF-style: chr11-6631042-T-C.
Other names: c.944T>C, p.Ile315Thr (NM_001014794.3, NM_001014795.3); c.761T>C, p.Ile254Thr (NM_001278441.2); c.542T>C, p.Ile181Thr (NM_001278442.2); c.*1111A>G (NM_006284.4); short protein forms I181T, I315T, I254T.
Identifiers: ClinVar variation 2834217 (VCV002834217.3), dbSNP rs2493776263, ClinGen allele CA379465721.

ClinVar aggregate classification (germline): Uncertain significance (1 of 4 stars; one submission).

Conditions:
Primary familial hypertrophic cardiomyopathy (HCM). Identifiers: Orphanet 99739, MedGen C0949658, MeSH D024741, MONDO:0024573. Inheritance: Various modes of inheritance.

Submission:

Labcorp Genetics (formerly Invitae), Labcorp
Classification: Uncertain significance for Primary familial hypertrophic cardiomyopathy. Last evaluated: 2023-02-03. Review status: criteria provided, single submitter. Criteria: Invitae Variant Classification Sherloc (09022015). Collection method: clinical testing. Allele origin: germline.
Comment: This variant is not present in population databases (gnomAD no frequency). This sequence change replaces isoleucine, which is neutral and non-polar, with threonine, which is neutral and polar, at codon 315 of the ILK protein (p.Ile315Thr). This variant has not been reported in the literature in individuals affected with ILK-related conditions. Algorithms developed to predict the effect of missense changes on protein structure and function (SIFT, PolyPhen-2, Align-GVGD) all suggest that this variant is likely to be disruptive. In summary, the available evidence is currently insufficient to determine the role of this variant in disease. Therefore, it has been classified as a Variant of Uncertain Significance.